The following is an entry in ClinVar:

ClinVar aggregate classification (germline): Uncertain significance. Review status: criteria provided, multiple submitters, no conflicts (2 of 4 stars). 2 submissions from 2 submitters: Uncertain significance (2). Last evaluated 2023-12-07.

Conditions:
Inborn genetic diseases. Identifiers: MedGen C0950123, MeSH D030342.

Allele frequency attached by ClinVar (database versions not stated): gnomAD exomes 0.00002 and 0.00008; gnomAD 0.00003; TOPMed 0.00004; ExAC 0.00007.
gnomAD v4.1: 34 of 1,614,064 alleles (0.0021%); highest among the groups gnomAD compares: Admixed American, 0.042%; no homozygotes.

Submissions (2):

Labcorp Genetics (formerly Invitae), Labcorp
Classification: Uncertain significance. Last evaluated: 2023-12-07. Review status: criteria provided, single submitter. Criteria: Invitae Variant Classification Sherloc (09022015). Collection method: clinical testing. Allele origin: germline.
Comment: This sequence change replaces proline, which is neutral and non-polar, with serine, which is neutral and polar, at codon 2268 of the GPR179 protein (p.Pro2268Ser). This variant is present in population databases (rs768501380, gnomAD 0.05%). This variant has not been reported in the literature in individuals affected with GPR179-related conditions. ClinVar contains an entry for this variant (Variation ID: 1462959). Algorithms developed to predict the effect of missense changes on protein structure and function output the following: SIFT: "Not Available"; PolyPhen-2: "Benign"; Align-GVGD: "Not Available". The serine amino acid residue is found in multiple mammalian species, which suggests that this missense change does not adversely affect protein function. In summary, the available evidence is currently insufficient to determine the role of this variant in disease. Therefore, it has been classified as a Variant of Uncertain Significance.

Ambry Genetics
Classification: Uncertain significance for Inborn genetic diseases. Last evaluated: 2022-11-19. Review status: criteria provided, single submitter. Criteria: Ambry Variant Classification Scheme 2023. Collection method: clinical testing. Allele origin: germline.

NM_001004334.4(GPR179):c.6802C>T (p.Pro2268Ser)

Gene: GPR179 (G protein-coupled receptor 179; minus strand). Cytogenetic location: 17q12.
Variant type: single nucleotide variant.
Coding change: c.6802C>T on transcript NM_001004334.4 (MANE Select); coding-DNA position 6802, C replaced by T.
Protein change: p.Pro2268Ser; replaces proline 2268 with serine.
Molecular consequence: missense variant.
Genome position (GRCh38, 1-based): chr17:38,326,767, G>A on the plus strand (C>T on the coding strand, the complement: GPR179 is on the minus strand). VCF-style: chr17-38326767-G-A. GRCh37 (hg19) VCF-style: chr17-36482650-G-A.
Other names: c.6802C>T (NM_001004334.2); short protein forms P2268S.
Identifiers: ClinVar variation 1462959 (VCV001462959.5), dbSNP rs768501380, ClinGen allele CA290102798.